The following is an entry in ClinVar:

NM_004187.5(KDM5C):c.402G>A (p.Trp134Ter)

Gene: KDM5C (lysine demethylase 5C; minus strand). Cytogenetic location: Xp11.22.
Variant type: single nucleotide variant.
Coding change: c.402G>A on transcript NM_004187.5 (MANE Select); coding-DNA position 402, G replaced by A.
Protein change: p.Trp134Ter; replaces tryptophan 134 with a stop codon.
Molecular consequence: nonsense. On other transcripts: non-coding transcript variant (3).
Genome position (GRCh38, 1-based): chrX:53,217,916, C>T on the plus strand (G>A on the coding strand, the complement: KDM5C is on the minus strand). VCF-style: chrX-53217916-C-T. GRCh37 (hg19) VCF-style: chrX-53247098-C-T.
Other names: c.201G>A, p.Trp67Ter (NM_001146702.2); c.402G>A, p.Trp134Ter (NM_001282622.3, NM_001353978.3, NM_001353979.2 and 3 more transcripts); short protein forms W134*, W67*.
Identifiers: ClinVar variation 3897617 (VCV003897617.1).

ClinVar aggregate classification (germline): Likely pathogenic (1 of 4 stars; one submission).

Conditions:
Intellectual developmental disorder, X-linked, syndromic, Claes-Jensen type. Also called: Syndromic X-linked intellectual disability Claes-Jensen type; INTELLECTUAL DEVELOPMENTAL DISORDER, X-LINKED, SYNDROMIC 16; MENTAL RETARDATION, X-LINKED, SYNDROMIC 16. Identifiers: Orphanet 85279, MedGen C1845243, MONDO:0010355, OMIM 300534.

Submission:

Genetics Laboratory, UDIAT-Centre Diagnòstic, Hospital Universitari Parc Tauli
Classification: Likely pathogenic for syndromic X-linked intellectual disability Claes-Jensen type. Last evaluated: 2023-07-31. Review status: criteria provided, single submitter. Criteria: ACMG Guidelines, 2015. Collection method: clinical testing. Allele origin: unknown. Inheritance: X-linked inheritance. Affected: yes.
Comment: PVS1_very strong;PM2_supporting